The following is an entry in ClinVar:

ClinVar aggregate classification (germline): Likely pathogenic (1 of 4 stars; one submission).

Submission:

Clinical Genomics Laboratory, Laboratory for Precision Diagnostics, University of Washington
Classification: Likely pathogenic. Last evaluated: 2024-08-16. Review status: criteria provided, single submitter. Criteria: ACMG/ClinGen CNV Guidelines, 2019. Collection method: clinical testing. Allele origin: unknown. Affected: yes. Observed: 1 variant allele.
Comment: The intragenic duplication as detected by this chromosomal microarray is approximately 93.5 kb in size and has likely breakpoints within EXT2 introns 4 and 10 (NM_207122.2 OMIM 608210). This results in a duplication of EXT2 exons 5-10, which are coding exons. Intragenic duplications are generally in tandem (Newman et al. 2015), and this specific variant is predicted to be out-of-frame. Thus, this duplication likely causes loss of function of one copy of EXT2. Heterozygous loss-of-function variants in EXT2 cause hereditary multiple osteochondromas (HMO - see ClinGen and GeneReviews). HMO is an autosomal dominant condition characterized by growth of benign cartilage-capped bone tumors (osteochondromas) outward from the metaphyses of long bones. The risk of osteochondrosarcoma goes up with age, but the lifetime risk is 2-5%. See NBK:1235 for a recent overview of HMO, including management guidelines. Biallelic loss-of-function variants in EXT2 have been reported in less than a dozen people, and appear to cause a more severe condition currently known as autosomal recessive exostosis 2 gene syndrome (AREXT2 syndrome). AREXT2 syndrome is characterized by atypical head circumference, distinctive facial features, congenital heart defect, osteochondromas, scoliosis, hypotonia, seizures, and developmental delay and intellectual disability PMID: 35045016.

Literature cited by the submitters: PubMed 35045016.

GRCh38/hg38 11p11.2(chr11:44121384-44214929)x3

Genes: EXT2 (exostosin glycosyltransferase 2; plus strand), LOC126861201 (MED14-independent group 3 enhancer GRCh37_chr11:44218806-44220005; plus strand). Cytogenetic location: 11p11.2.
Variant type: copy number gain.
Change: copy number 3 (three copies instead of two) of chr11:44,121,384-44,214,929 (93.5 kb, GRCh38 coordinates, 1-based), cytogenetic band 11p11.2.
Identifiers: ClinVar variation 4974694 (VCV004974694.1).